The following is an entry in ClinVar:

ClinVar aggregate classification (germline): Likely benign (1 of 4 stars; one submission).

gnomAD v4.1: 73 of 1,613,750 alleles (0.0045%); highest among the groups gnomAD compares: East Asian, 0.018%; 1 homozygote.

Submission:

CeGaT Center for Human Genetics Tuebingen
Classification: Likely benign. Last evaluated: 2024-12-01. Review status: criteria provided, single submitter. Criteria: CeGaT Center For Human Genetics Tuebingen Variant Classification Criteria Version 2. Collection method: clinical testing. Allele origin: germline. Affected: yes. Observed: 1 variant allele.
Comment: SEMA6B: BP4

NM_032108.4(SEMA6B):c.1330G>A (p.Val444Ile)

Gene: SEMA6B (semaphorin 6B; minus strand). Cytogenetic location: 19p13.3.
Variant type: single nucleotide variant.
Coding change: c.1330G>A on transcript NM_032108.4 (MANE Select); coding-DNA position 1330, G replaced by A.
Protein change: p.Val444Ile; replaces valine 444 with isoleucine.
Molecular consequence: missense variant.
Genome position (GRCh38, 1-based): chr19:4,548,387, C>T on the plus strand (G>A on the coding strand, the complement: SEMA6B is on the minus strand). VCF-style: chr19-4548387-C-T. GRCh37 (hg19) VCF-style: chr19-4548399-C-T.
Other names: short protein forms V444I.
Identifiers: ClinVar variation 3771193 (VCV003771193.13).